The following is an entry in ClinVar:

NM_002769.5(PRSS1):c.364C>T (p.Arg122Cys)

Genes: PRSS1 (serine protease 1; plus strand), TRB (T cell receptor beta locus; plus strand). Cytogenetic location: 7q34.
Variant type: single nucleotide variant.
Coding change: c.364C>T on transcript NM_002769.5 (MANE Select); coding-DNA position 364, C replaced by T.
Protein change: p.Arg122Cys; replaces arginine 122 with cysteine.
Molecular consequence: missense variant.
Genome position (GRCh38, 1-based): chr7:142,751,937, C>T. VCF-style: chr7-142751937-C-T. GRCh37 (hg19) VCF-style: chr7-142459788-C-T.
Other names: short protein forms R122C.
Identifiers: ClinVar variation 11883 (VCV000011883.78), dbSNP rs111033568, ClinGen allele CA341154.
Genomic context (GRCh38, chr7:142,751,937, plus strand): 5'-AAGACTCTGAACAATGACATCATGTTAATCAAGCTCTCCTCACGTGCAGTAATCAACGCC[C>T]GCGTGTCCACCATCTCTCTGCCCACCGCCCCTCCAGCCACTGGCACGAAGTGCCTCATCT-3'
Protein context (NP_002760.1, residues 112-132): KLSSRAVINA[Arg122Cys]VSTISLPTAP

ClinVar aggregate classification (germline): Pathogenic. Review status: criteria provided, multiple submitters, no conflicts (2 of 4 stars). 12 submissions from 12 submitters: Pathogenic (8). 4 of the submissions do not count toward it. Last evaluated 2026-02-25.

Conditions:
PRSS1-related disorder. Also called: PRSS1-related condition.
Hereditary pancreatitis (PCTT). Also called: Hereditary chronic pancreatitis; PRSS1-Related Hereditary Pancreatitis. Identifiers: Orphanet 676, MedGen C0238339, MONDO:0008185, OMIM 167800.

Allele frequency attached by ClinVar (database versions not stated): gnomAD exomes 0.00002; ExAC 0.00001; TOPMed 0.00002.
gnomAD v4.1: 45 of 1,613,930 alleles (0.0028%); highest among the groups gnomAD compares: Non-Finnish European, 0.0035%; no homozygotes.

Submissions 1 to 10 of 12:

PreventionGenetics, part of Exact Sciences
Classification: Pathogenic for PRSS1-related condition. Last evaluated: 2026-02-25. Review status: criteria provided, single submitter. Criteria: ACMG Guidelines, 2015. Collection method: clinical testing. Allele origin: germline.
Comment: The PRSS1 c.364C>T variant is predicted to result in the amino acid substitution p.Arg122Cys. This variant has been reported to be causative for autosomal dominant hereditary chronic pancreatitis with penetrance of ~40-70% (Le Maréchal et al. 2001. PubMed ID:11734061; Simon et al. 2002 PubMed ID: 11719509; Pfützer et al. 2002 PubMed ID: 11788572; de las Heras-Castaño et al. 2009. PubMed ID: 19454815). A different substitution at the same amino acid position (p.Arg122His) has also been reported as pathogenic. This variant is reported in 0.0035% of alleles in individuals of European (Non-Finnish) descent in gnomAD. This variant is interpreted as pathogenic.

Labcorp Genetics (formerly Invitae), Labcorp
Classification: Pathogenic for Hereditary pancreatitis. Last evaluated: 2025-08-25. Review status: criteria provided, single submitter. Criteria: Invitae Variant Classification Sherloc (09022015). Collection method: clinical testing. Allele origin: germline.
Comment: This sequence change replaces arginine, which is basic and polar, with cysteine, which is neutral and slightly polar, at codon 122 of the PRSS1 protein (p.Arg122Cys). The frequency data for this variant in the population databases is considered unreliable, as metrics indicate poor data quality at this position in the gnomAD database. This missense change has been observed in individual(s) with hereditary pancreatitis (HP) and/or pancreatic cancer (PMID: 11719509, 11788572, 19454815, 24458023). It has also been observed to segregate with disease in related individuals. ClinVar contains an entry for this variant (Variation ID: 11883). Invitae Evidence Modeling of protein sequence and biophysical properties (such as structural, functional, and spatial information, amino acid conservation, physicochemical variation, residue mobility, and thermodynamic stability) indicates that this missense variant is not expected to disrupt PRSS1 protein function with a negative predictive value of 80%. Experimental studies have shown that this missense change affects PRSS1 function (PMID: 11719509, 22539344). This variant disrupts the p.Arg122 amino acid residue in PRSS1. Other variant(s) that disrupt this residue have been determined to be pathogenic (PMID: 8841182, 19453252). This suggests that this residue is clinically significant, and that variants that disrupt this residue are likely to be disease-causing. For these reasons, this variant has been classified as Pathogenic.

Mayo Clinic Laboratories, Mayo Clinic
Classification: Pathogenic. Last evaluated: 2025-08-04. Review status: criteria provided, single submitter. Criteria: ACMG Guidelines, 2015. Collection method: clinical testing. Allele origin: germline. Observed: 5 variant alleles.
Comment: PM2_supporting, PM5, PS3, PS4_moderate

ARUP Laboratories, Molecular Genetics and Genomics, ARUP Laboratories
Classification: Pathogenic for Hereditary pancreatitis. Last evaluated: 2025-03-21. Review status: criteria provided, single submitter. Criteria: ARUP Molecular Germline Variant Investigation Process 2024. Collection method: clinical testing. Allele origin: germline.
Comment: The PRSS1 c.364C>T; p.Arg122Cys variant (rs111033568) is reported in multiple individuals diagnosed with pancreatitis (Le Marechal 2001, Pfutzer 2002). However, the variant shows incomplete penetrance, with approximately 40-50 percent of carriers developing pancreatic disease (de las Heras-Castano 2009, Simon 2002). This variant is also reported in ClinVar (Variation ID: 11883), and is found in the general population with an overall allele frequency of 0.0020% (5/251452 alleles) in the Genome Aggregation Database. Computational analyses are uncertain whether this variant is neutral or deleterious (REVEL: 0.515). Functional characterization indicates that the variant protein has increased auto-activation and enzymatic activity, and shows greater resistance to autolysis and inhibition (Simon 2002, Szabo 2012), consistent with the established disease mechanisms. Based on available information, the variant is considered to be pathogenic. References: de las Heras-Castano G et al. Hereditary pancreatitis: clinical features and inheritance characteristics of the R122C mutation in the cationic trypsinogen gene (PRSS1) in six Spanish families. JOP. 2009 May 18;10(3):249-55. PMID: 19454815. Le Marechal C et al. Discrimination of three mutational events that result in a disruption of the R122 primary autolysis site of the human cationic trypsinogen (PRSS1) by denaturing high performance liquid chromatography. BMC Genet. 2001;2:19. PMID: 11734061. PfÃ¼tzer R et al. Novel cationic trypsinogen (PRSS1) N29T and R122C mutations cause autosomal dominant hereditary pancreatitis. Gut. 2002 Feb;50(2):271-2. PMID: 11788572. Simon P et al. Hereditary pancreatitis caused by a novel PRSS1 mutation (Arg-122 --> Cys) that alters autoactivation and autodegradation of cationic trypsinogen. J Biol Chem. 2002 Feb 15;277(7):5404-10. PMID: 11719509.

Ambry Genetics
Classification: Pathogenic for Hereditary pancreatitis. Last evaluated: 2025-03-18. Review status: criteria provided, single submitter. Criteria: Ambry Variant Classification Scheme 2023. Collection method: clinical testing. Allele origin: germline.
Comment: The p.R122C pathogenic mutation (also known as c.364C>T), located in coding exon 3 of the PRSS1 gene, results from a C to T substitution at nucleotide position 364. The arginine at codon 122 is replaced by cysteine, an amino acid with highly dissimilar properties. This variant was first identified in two families with hereditary pancreatitis and was seen to have incomplete penetrance (Pfutzer R et al. Gut. 2002;50:271-272). One in vitro studied determined that this variant results in increased autoactivation and impaired autolysis of trypsinogen at a basic pH in the absence of calcium (Simon et al. J Biol Chem. 2002;277(7):5404-10). In addition, a study of 6 families with hereditary pancreatitis found that approximately 40% of the 22 carriers with this variant developed pancreatitis (de las Heras-Casta&ntilde;o et al. JOP. 2009; 10(3): 249-55). This amino acid position is not well conserved in available vertebrate species. In addition, this alteration is predicted to be deleterious by in silico analysis. Based on the supporting evidence, this variant is interpreted as a disease-causing mutation.

GeneDx
Classification: Pathogenic. Last evaluated: 2025-02-12. Review status: criteria provided, single submitter. Criteria: GeneDx Variant Classification Process June 2021. Collection method: clinical testing. Allele origin: germline. Affected: yes.
Comment: In silico analysis supports that this missense variant has a deleterious effect on protein structure/function; This variant is associated with the following publications: (PMID: 28502372, 24624459, 19686634, 11788572, 19454815, 27179762, 22539344, 16791840, 17568390, 11719509, 19191323, 12120221, 11734061, 17003641, 18755888, 20452997, 24458023, 24002981, 19453252, 8841182, 22427236, 23951356, 25010710, 18511571, 16954950, 27673710, 31589614, 33257277, 34224489, 30420730, 36369231)

Women's Health and Genetics/Laboratory Corporation of America, LabCorp
Classification: Pathogenic for Hereditary pancreatitis. Last evaluated: 2020-12-11. Review status: criteria provided, single submitter. Criteria: LabCorp Variant Classification Summary - May 2015. Collection method: clinical testing. Allele origin: germline.
Comment: Variant summary: PRSS1 c.364C>T (p.Arg122Cys) results in a non-conservative amino acid change located in the Serine proteases, trypsin domain of the encoded protein sequence. Four of five in-silico tools predict a damaging effect of the variant on protein function. The variant allele was found at a frequency of 2e-05 in 254704 control chromosomes. The available data on variant occurrences in the general population are insufficient to allow any conclusion about variant significance. c.364C>T has been reported in the literature in individuals affected with Chronic Pancreatitis (e.g. Pfutzer_2002, LeMarechal_2001, Simon_2002, Teich_2006, Sobczynska-Tomaszewska_2006, Wang_2013, Zou_2018), however with reduced penetrance. At least one publication reported experimental evidence evaluating an impact on protein function, and demonstrated that the variant slightly increased autoactivation and severely reduced chymotrypsin C (CTRC)-dependent degradation that is consistent with the mechanism of disease (Szabo_2012). Three clinical diagnostic laboratories have submitted clinical-significance assessments for this variant to ClinVar after 2014 without evidence for independent evaluation. All laboratories classified the variant as pathogenic. In this region other missense variants (p.A121T, p.R122H, and p.V123M) have also been reported in association with pancreatitis, suggesting importance of this region in PRSS1 function. Based on the evidence outlined above, the variant was classified as pathogenic.

Clinical Genetics Service, Universitary Hospital 12 de Octubre
Classification: Pathogenic for Hereditary pancreatitis. Review status: criteria provided, single submitter. Criteria: ACMG Guidelines, 2015. Collection method: clinical testing. Allele origin: germline. Affected: yes.

OMIM
Classification: Pathogenic for PANCREATITIS, HEREDITARY. Last evaluated: 2006-08-01. Review status: no assertion criteria provided. Collection method: literature only. Allele origin: germline. Not counted in ClinVar's aggregate classification.

Diagnostic Laboratory, Department of Genetics, University Medical Center Groningen
Classification: Likely pathogenic. Review status: no assertion criteria provided. Collection method: clinical testing. Allele origin: germline. Affected: yes. Study: VKGL Data-share Consensus. Not counted in ClinVar's aggregate classification.